The following is an entry in ClinVar:

NM_001458.5(FLNC):c.8028del (p.Thr2677fs)

Genes: FLNC (filamin C; plus strand), FLNC-AS1 (FLNC antisense RNA 1; minus strand). Cytogenetic location: 7q32.1.
Variant type: Deletion.
Coding change: c.8028del on transcript NM_001458.5 (MANE Select); coding-DNA position 8028, one base deleted (G; older notation c.8028delG).
Protein change: p.Thr2677fs; shifts the reading frame from threonine 2677.
Molecular consequence: frameshift variant.
Genome position (GRCh38, 1-based): chr7:128,858,373, G deleted. VCF-style (leftmost placement, unchanged base first): chr7-128858372-AG-A. GRCh37 (hg19) VCF-style: chr7-128498426-AG-A.
Other names: c.7929del, p.Thr2644fs (NM_001127487.2); short protein forms T2644fs, T2677fs.
Identifiers: ClinVar variation 2946991 (VCV002946991.3), dbSNP rs2536673700, ClinGen allele CA2740094869.

ClinVar aggregate classification (germline): Uncertain significance (1 of 4 stars; one submission).

Conditions:
Myofibrillar myopathy 5. Also called: Filaminopathy (type); FILAMINOPATHY, AUTOSOMAL DOMINANT. Identifiers: Orphanet 171445, MedGen C1836050, MONDO:0012289, OMIM 609524.
Hypertrophic cardiomyopathy 26. Also called: Cardiomyopathy, familial hypertrophic, 26. Identifiers: Orphanet 75249, MedGen C4310749, MONDO:0014883, OMIM 617047.
Distal myopathy with posterior leg and anterior hand involvement. Also called: WILLIAMS DISTAL MYOPATHY. Identifiers: Orphanet 63273, MedGen C3279722, MONDO:0013550, OMIM 614065.

Submission:

Labcorp Genetics (formerly Invitae), Labcorp
Classification: Uncertain significance for Distal myopathy with posterior leg and anterior hand involvement; Myofibrillar myopathy 5; Hypertrophic cardiomyopathy 26. Last evaluated: 2025-10-24. Review status: criteria provided, single submitter. Criteria: Invitae Variant Classification Sherloc (09022015). Collection method: clinical testing. Allele origin: germline.
Comment: This sequence change creates a premature translational stop signal (p.Thr2677Profs*8) in the FLNC gene. While this is not anticipated to result in nonsense mediated decay, it is expected to disrupt the last 49 amino acid(s) of the FLNC protein. This variant is not present in population databases (gnomAD no frequency). This variant has not been reported in the literature in individuals affected with FLNC-related conditions. ClinVar contains an entry for this variant (Variation ID: 2946991). In summary, the available evidence is currently insufficient to determine the role of this variant in disease. Therefore, it has been classified as a Variant of Uncertain Significance.